The following is an entry in ClinVar:

ClinVar aggregate classification (germline): Pathogenic. Review status: reviewed by expert panel (3 of 4 stars). 3 submissions from 3 submitters: Pathogenic (1). 2 of the submissions do not count toward it. Last evaluated 2016-09-08.

Conditions:
Breast-ovarian cancer, familial, susceptibility to, 1 (BROVCA1). Also called: BRCA1 Hereditary Breast and Ovarian Cancer; OVARIAN CANCER, SUSCEPTIBILITY TO. Identifiers: Orphanet 145, MedGen C2676676, MONDO:0011450, OMIM 604370. Disease mechanism: loss of function.

Submissions (3):

Evidence-based Network for the Interpretation of Germline Mutant Alleles (ENIGMA)
Classification: Pathogenic for Breast-ovarian cancer, familial, susceptibility to, 1. Last evaluated: 2016-09-08. Review status: reviewed by expert panel. Criteria: ENIGMA BRCA1/2 Classification Criteria (2015). Collection method: curation. Allele origin: germline.
Comment: Variant allele predicted to encode a truncated non-functional protein.

Clinical Genetics DNA and cytogenetics Diagnostics Lab, Erasmus MC, Erasmus Medical Center
Classification: Pathogenic for Breast-ovarian cancer, familial, susceptibility to, 1. Last evaluated: 2015-09-21. Review status: criteria provided, single submitter. Criteria: ACGS Guidelines, 2013. Collection method: clinical testing. Allele origin: germline. Affected: yes. Study: VKGL Data-share Consensus. Not counted in ClinVar's aggregate classification.

Diagnostic Laboratory, Department of Genetics, University Medical Center Groningen
Classification: Pathogenic for Breast-ovarian cancer, familial, susceptibility to, 1. Review status: no assertion criteria provided. Collection method: clinical testing. Allele origin: germline. Affected: yes. Study: VKGL Data-share Consensus. Not counted in ClinVar's aggregate classification.

NM_007294.4(BRCA1):c.2927del (p.Asn976fs)

Gene: BRCA1 (BRCA1 DNA repair associated; minus strand). Cytogenetic location: 17q21.31.
Variant type: Deletion.
Coding change: c.2927del on transcript NM_007294.4 (MANE Select); coding-DNA position 2927, one base deleted (A; older notation c.2927delA).
Protein change: p.Asn976fs; shifts the reading frame from asparagine 976.
Molecular consequence: frameshift variant. On other transcripts: intron variant (137).
Genome position (GRCh38, 1-based): chr17:43,092,604, T deleted on the plus strand (A on the coding strand, the reverse complement: BRCA1 is on the minus strand); the first of 4 consecutive T bases (chr17:43,092,604-43,092,607); deleting any one gives the same sequence. VCF-style (leftmost placement, unchanged base first): chr17-43092603-GT-G. GRCh37 (hg19) VCF-style: chr17-41244620-GT-G.
Other names: c.2927delA (NM_007294.3); c.587-1572del (NM_001408476.1, NM_001408474.1); c.710-1572del (NM_001408409.1, NM_001408414.1, NM_001408411.1 and 2 more transcripts); c.575-1572del (NM_001408493.1, NM_001408490.1, NM_001408491.1); c.455-1572del (NM_001408502.1); c.578-1572del (NM_001408489.1, NM_001408479.1, NM_001408482.1 and 9 more transcripts); c.662-1572del (NM_001408445.1, NM_001408432.1, NM_001408450.1 and 6 more transcripts); c.668-1572del (NM_001408431.1, NM_001408424.1, NM_001408421.1); and 42 more; short protein forms N976fs, N929fs, N808fs, N888fs, N905fs, N908fs, N934fs, N935fs.
Identifiers: ClinVar variation 254421 (VCV000254421.4), dbSNP rs886038006, ClinGen allele CA10586637.